The following is an entry in ClinVar:

ClinVar aggregate classification (germline): Uncertain significance. Review status: criteria provided, multiple submitters, no conflicts (2 of 4 stars). 2 submissions from 2 submitters: Uncertain significance (2). Last evaluated 2022-02-16.

Conditions:
Hereditary cancer-predisposing syndrome. Also called: Tumor predisposition; Neoplastic Syndromes, Hereditary; Hereditary neoplastic syndrome; Hereditary Cancer Syndrome. Identifiers: Orphanet 140162, MedGen C0027672, MeSH D009386, MONDO:0015356.
Hereditary breast ovarian cancer syndrome. Also called: Hereditary breast and ovarian cancer; Breast and ovarian cancer; Hereditary breast and/or ovarian cancer syndrome; BRCA1- and BRCA2-Associated Hereditary Breast and Ovarian Cancer; Hereditary breast and ovarian cancer syndrome; Hereditary breast and ovarian cancer syndrome (HBOC). Identifiers: Orphanet 145, MedGen C0677776, MeSH D061325, MONDO:0003582. Disease mechanism: loss of function.

Submissions (2):

Color Diagnostics, LLC DBA Color Health
Classification: Uncertain significance for Hereditary cancer-predisposing syndrome. Last evaluated: 2022-02-16. Review status: criteria provided, single submitter. Criteria: ACMG Guidelines, 2015. Collection method: clinical testing. Allele origin: germline.
Comment: This missense variant replaces leucine with serine at codon 99 of the BRCA1 protein. Computational prediction is inconclusive regarding the impact of this variant on protein structure and function (internally defined REVEL score threshold 0.5 < inconclusive < 0.7, PMID: 27666373). To our knowledge, functional studies have not been reported for this variant. This variant has not been reported in individuals affected with hereditary cancer in the literature. This variant has not been identified in the general population by the Genome Aggregation Database (gnomAD). The available evidence is insufficient to determine the role of this variant in disease conclusively. Therefore, this variant is classified as a Variant of Uncertain Significance.

Mendelics
Classification: Uncertain significance for Hereditary breast and ovarian cancer syndrome. Last evaluated: 2018-07-02. Review status: criteria provided, single submitter. Criteria: Mendelics Assertion Criteria 2017. Collection method: clinical testing. Allele origin: unknown.

NM_007294.4(BRCA1):c.296T>C (p.Leu99Ser)

Gene: BRCA1 (BRCA1 DNA repair associated; minus strand). Cytogenetic location: 17q21.31.
Variant type: single nucleotide variant.
Coding change: c.296T>C on transcript NM_007294.4 (MANE Select); coding-DNA position 296, T replaced by C.
Protein change: p.Leu99Ser; replaces leucine 99 with serine.
Molecular consequence: missense variant. On other transcripts: non-coding transcript variant (1).
Genome position (GRCh38, 1-based): chr17:43,104,873, A>G on the plus strand (T>C on the coding strand, the complement: BRCA1 is on the minus strand). VCF-style: chr17-43104873-A-G. GRCh37 (hg19) VCF-style: chr17-41256890-A-G.
Other names: c.86T>C, p.Leu29Ser (NM_001407571.1, NM_001407853.1, NM_001407879.1 and 58 more transcripts); c.296T>C, p.Leu99Ser (NM_001407581.1, NM_001407582.1, NM_001407583.1 and 165 more transcripts); c.218T>C, p.Leu73Ser (NM_001407653.1, NM_001407654.1, NM_001407655.1 and 21 more transcripts); c.155T>C, p.Leu52Ser (NM_001407692.1, NM_001407694.1, NM_001407695.1 and 99 more transcripts); c.-86T>C (NM_001407959.1, NM_001407960.1, NM_001407962.1 and 4 more transcripts); c.164T>C, p.Leu55Ser (NM_001408451.1); short protein forms L99S, L52S, L55S, L73S, L29S.
Identifiers: ClinVar variation 584958 (VCV000584958.5), dbSNP rs1567811021, ClinGen allele CA10601564.